The following is an entry in ClinVar:

NM_001267550.2(TTN):c.90819del (p.Met30274fs)

Genes: TTN (titin; minus strand), TTN-AS1 (TTN antisense RNA 1; plus strand). Cytogenetic location: 2q31.2.
Variant type: Deletion.
Coding change: c.90819del on transcript NM_001267550.2 (MANE Select); coding-DNA position 90819, one base deleted (G; older notation c.90819delG).
Protein change: p.Met30274fs; shifts the reading frame from methionine 30274.
Molecular consequence: frameshift variant.
Genome position (GRCh38, 1-based): chr2:178,552,081, C deleted on the plus strand (G on the coding strand, the reverse complement: TTN is on the minus strand). VCF-style (leftmost placement, unchanged base first): chr2-178552080-TC-T. GRCh37 (hg19) VCF-style: chr2-179416807-TC-T.
Other names: c.85896del, p.Met28633fs (NM_001256850.1); c.63624del, p.Met21209fs (NM_003319.4); c.83115del, p.Met27706fs (NM_133378.4); c.63999del, p.Met21334fs (NM_133432.3); c.64200del, p.Met21401fs (NM_133437.4); short protein forms M21209fs, M21334fs, M21401fs, M27706fs, M28633fs, M30274fs.
Identifiers: ClinVar variation 3759588 (VCV003759588.2).
Genomic context (GRCh38, chr2:178,552,080, plus strand): 5'-CAGCATCTTTGACTAGATTAGGAACTTTGAAAGTCGTTCTGGCAACACTTGAACACACCA[TC>T]TTCCAGTTAGTTTGTGAAGTTTCCCGCTTCTCGATGCTGTAACAAGTAATTTCTCCTCCT-3'

ClinVar aggregate classification (germline): Likely pathogenic (1 of 4 stars; one submission).

Conditions:
Dilated cardiomyopathy 1G (CMD1G). Identifiers: Orphanet 154, MedGen C1858763, MONDO:0011400, OMIM 604145.
Autosomal recessive limb-girdle muscular dystrophy type 2J (LGMDR10). Also called: Limb-girdle muscular dystrophy, type 2J; MUSCULAR DYSTROPHY, LIMB-GIRDLE, AUTOSOMAL RECESSIVE 10. Identifiers: Orphanet 140922, MedGen C1837342, MONDO:0012127, OMIM 608807.

Submission:

Labcorp Genetics (formerly Invitae), Labcorp
Classification: Likely pathogenic for Dilated cardiomyopathy 1G; Autosomal recessive limb-girdle muscular dystrophy type 2J. Last evaluated: 2024-11-27. Review status: criteria provided, single submitter. Criteria: Invitae Variant Classification Sherloc (09022015). Collection method: clinical testing. Allele origin: germline.
Comment: This sequence change creates a premature translational stop signal (p.Met30274Trpfs*16) in the TTN gene. While this is not anticipated to result in nonsense mediated decay, it is expected to create a truncated TTN protein. This variant is not present in population databases (gnomAD no frequency). This variant has not been reported in the literature in individuals affected with TTN-related conditions. This variant is located in the A band of TTN (PMID: 25589632). Truncating variants in this region are significantly overrepresented in patients affected with dilated cardiomyopathy (PMID: 25589632). Truncating variants in this region have also been reported in individuals affected with autosomal recessive centronuclear myopathy (PMID: 23975875). In summary, the currently available evidence indicates that the variant is pathogenic, but additional data are needed to prove that conclusively. Therefore, this variant has been classified as Likely Pathogenic.

Literature cited by the submitters: PubMed 25589632; PubMed 23975875.